The following is an entry in ClinVar:

NM_002768.5(CHMP1A):c.33G>A (p.Thr11=)

Gene: CHMP1A (charged multivesicular body protein 1A; minus strand). Cytogenetic location: 16q24.3.
Variant type: single nucleotide variant.
Coding change: c.33G>A on transcript NM_002768.5 (MANE Select); coding-DNA position 33, G replaced by A.
Protein change: p.Thr11=; no amino-acid change (threonine 11 retained).
Molecular consequence: synonymous variant. On other transcripts: missense variant (1), non-coding transcript variant (1).
Genome position (GRCh38, 1-based): chr16:89,651,641, C>T on the plus strand (G>A on the coding strand, the complement: CHMP1A is on the minus strand). VCF-style: chr16-89651641-C-T. GRCh37 (hg19) VCF-style: chr16-89718049-C-T.
Other names: c.13G>A, p.Gly5Ser (NM_001083314.4); c.13G>A (NM_001083314.3, NM_001083314.1); short protein forms G5S.
Identifiers: ClinVar variation 510833 (VCV000510833.16), dbSNP rs200710259, ClinGen allele CA8247190.

ClinVar aggregate classification (germline): Likely benign. Review status: criteria provided, multiple submitters, no conflicts (2 of 4 stars). 5 submissions from 5 submitters: Likely benign (4). 1 of the submissions does not count toward it. Last evaluated 2026-01-26.

Conditions:
CHMP1A-related disorder. Also called: CHMP1A-related condition.
Inborn genetic diseases. Identifiers: MedGen C0950123, MeSH D030342.

Allele frequency attached by ClinVar (database versions not stated): ExAC 0.00021; gnomAD exomes 0.00021; gnomAD 0.00066 and 0.00071; 1000 Genomes Project 30x 0.00078; 1000 Genomes Project 0.00080; ESP Exome Variant Server 0.00081; TOPMed 0.00081.
gnomAD v4.1: 245 of 1,613,564 alleles (0.015%); highest among the groups gnomAD compares: African/African-American, 0.27%; 1 homozygote.

Submissions (6):

Labcorp Genetics (formerly Invitae), Labcorp
Classification: Likely benign. Last evaluated: 2026-01-26. Review status: criteria provided, single submitter. Criteria: Invitae Variant Classification Sherloc (09022015). Collection method: clinical testing. Allele origin: germline.

Ambry Genetics
Classification: Likely benign for Inborn genetic diseases. Last evaluated: 2024-11-27. Review status: criteria provided, single submitter. Criteria: Ambry Variant Classification Scheme 2023. Collection method: clinical testing. Allele origin: germline.

Blueprint Genetics
Classification: Likely benign. Last evaluated: 2024-06-05. Review status: criteria provided, single submitter. Criteria: ACMG Guidelines, 2015. Collection method: clinical testing. Allele origin: germline.

GeneDx
Classification: Likely benign. Last evaluated: 2020-12-28. Review status: criteria provided, single submitter. Criteria: GeneDx Variant Classification Process June 2021. Collection method: clinical testing. Allele origin: germline. Affected: yes.

PreventionGenetics, part of Exact Sciences
Classification: Likely benign for CHMP1A-related condition. Last evaluated: 2022-10-24. Review status: no assertion criteria provided. Collection method: clinical testing. Allele origin: germline. Not counted in ClinVar's aggregate classification.
Comment: This variant is classified as likely benign based on ACMG/AMP sequence variant interpretation guidelines (Richards et al. 2015 PMID: 25741868, with internal and published modifications).

Dr. Peter K. Rogan Lab, Western University
No classification provided (evidence only). Condition: Clear cell carcinoma of kidney. Review status: no classification provided. Collection method: in vitro. Allele origin: not applicable. Functional consequence: retained intron. Not counted in ClinVar's aggregate classification.